The following is an entry in ClinVar:

NC_000022.11:g.(?_28687887)_(28710069_?)del

Gene: CHEK2 (checkpoint kinase 2; minus strand). Cytogenetic location: 22q12.1.
Variant type: Deletion.
Identifiers: ClinVar variation 658442 (VCV000658442.8).

ClinVar aggregate classification (germline): Pathogenic (1 of 4 stars; one submission).

Conditions:
Familial cancer of breast. Also called: Hereditary breast cancer; hereditary breast carcinoma; BREAST CANCER, FAMILIAL. Identifiers: Orphanet 227535, MedGen C0346153, MONDO:0016419, OMIM 114480. Disease mechanism: loss of function.

Submission:

Labcorp Genetics (formerly Invitae), Labcorp
Classification: Pathogenic for Familial cancer of breast. Last evaluated: 2018-09-19. Review status: criteria provided, single submitter. Criteria: Invitae Variant Classification Sherloc (09022015). Collection method: clinical testing. Allele origin: germline.
Comment: This deletion (p.Asp265_Leu543del) partially removes the kinase domain (residues 226-486) and nuclear localization signal¬†(NLS, residues 515-522), which are important for normal CHEK2 protein function (PMID: 11733767, 15279791, 19782031, 12909615, 18004398, 24879340). Smaller in-frame deletions and truncations in this region have been determined to be pathogenic (Invitae),¬†suggesting that deletion of this region of the CHEK2 protein is causative of disease. For these reasons, this variant has been classified as Pathogenic. This variant has not been reported in the literature in individuals with CHEK2-related disease. This variant is a gross deletion of the genomic region encompassing exons 7-15 of the CHEK2 gene. The 5' boundary is likely confined to intron 6. The 3' end of this event is unknown as it extends through the termination codon beyond the assayed region for this gene and may encompass additional genes. While this deletion is not anticipated to result in nonsense mediated decay, it is expected to create a truncated protein product or disrupt mRNA translation.

Literature cited by the submitters: PubMed 11733767; PubMed 15279791; PubMed 19782031; PubMed 12909615; PubMed 18004398; PubMed 24879340.